The following is an entry in ClinVar:

ClinVar aggregate classification (germline): Likely pathogenic (1 of 4 stars; one submission).

Submission:

Dasa
Classification: Likely pathogenic. Last evaluated: 2024-10-11. Review status: criteria provided, single submitter. Criteria: DASA Assertion Criteria. Collection method: clinical testing. Allele origin: germline.
Comment: NM_021628.3(ALOXE3):c.784+1G>T affects a canonical splice site and is predicted to disrupt normal RNA splicing. Loss of function is an established disease mechanism for ALOXE3-associated disorders. Also, this variant is absent from population databases. Based on the currently available evidence, this variant is classified as likely pathogenic.

NM_021628.3(ALOXE3):c.784+1G>T

Gene: ALOXE3 (arachidonate epidermal lipoxygenase 3; minus strand). Cytogenetic location: 17p13.1.
Variant type: single nucleotide variant.
Coding change: c.784+1G>T on transcript NM_021628.3 (MANE Select); the canonical splice donor site of the intron after coding-DNA position 784, G replaced by T.
Molecular consequence: splice donor variant.
Genome position (GRCh38, 1-based): chr17:8,112,092, C>A on the plus strand (G>T on the coding strand, the complement: ALOXE3 is on the minus strand). VCF-style: chr17-8112092-C-A. GRCh37 (hg19) VCF-style: chr17-8015410-C-A.
Other names: c.1180+1G>T (NM_001165960.1); c.781+1G>T (NM_001369446.1).
Identifiers: ClinVar variation 4886402 (VCV004886402.2).